The following is an entry in ClinVar:

ClinVar aggregate classification (germline): Uncertain significance. Review status: criteria provided, multiple submitters, no conflicts (2 of 4 stars). 2 submissions from 2 submitters: Uncertain significance (2). Last evaluated 2025-11-26.

Allele frequency attached by ClinVar (database versions not stated): gnomAD 0.00007; TOPMed 0.00008; ExAC 0.00003; 1000 Genomes Project 0.00040; 1000 Genomes Project 30x 0.00047; gnomAD exomes 0.00015.
gnomAD v4.1: 212 of 1,567,144 alleles (0.014%); highest among the groups gnomAD compares: Non-Finnish European, 0.018%; 1 homozygote.

Submissions (2):

Ambry Genetics
Classification: Uncertain significance. Last evaluated: 2025-11-26. Review status: criteria provided, single submitter. Criteria: Ambry Variant Classification Scheme 2023. Collection method: clinical testing. Allele origin: germline.

Labcorp Genetics (formerly Invitae), Labcorp
Classification: Uncertain significance. Last evaluated: 2024-12-31. Review status: criteria provided, single submitter. Criteria: Invitae Variant Classification Sherloc (09022015). Collection method: clinical testing. Allele origin: germline.
Comment: This sequence change replaces arginine, which is basic and polar, with cysteine, which is neutral and slightly polar, at codon 885 of the ZNF687 protein (p.Arg885Cys). This variant is present in population databases (rs201237841, gnomAD 0.01%). This variant has not been reported in the literature in individuals affected with ZNF687-related conditions. ClinVar contains an entry for this variant (Variation ID: 2762407). An algorithm developed to predict the effect of missense changes on protein structure and function outputs the following: PolyPhen-2: "Benign". The cysteine amino acid residue is found in multiple mammalian species, which suggests that this missense change does not adversely affect protein function. In summary, the available evidence is currently insufficient to determine the role of this variant in disease. Therefore, it has been classified as a Variant of Uncertain Significance.

NM_020832.3(ZNF687):c.2653C>T (p.Arg885Cys)

Gene: ZNF687 (zinc finger protein 687; plus strand). Cytogenetic location: 1q21.3.
Variant type: single nucleotide variant.
Coding change: c.2653C>T on transcript NM_020832.3 (MANE Select); coding-DNA position 2653, C replaced by T.
Protein change: p.Arg885Cys; replaces arginine 885 with cysteine.
Molecular consequence: missense variant.
Genome position (GRCh38, 1-based): chr1:151,289,696, C>T. VCF-style: chr1-151289696-C-T. GRCh37 (hg19) VCF-style: chr1-151262172-C-T.
Other names: c.2653C>T (NM_020832.1); c.2653C>T, p.Arg885Cys (NM_001304763.2, NM_001304764.2); short protein forms R885C.
Identifiers: ClinVar variation 2762407 (VCV002762407.3), dbSNP rs201237841, ClinGen allele CA1088622.
Genomic context (GRCh38, chr1:151,289,696, plus strand): 5'-GCCCTCCCCCACAACAGCAACCTCCCTTGTCTCCTCTCACAGAACACCCATCAGTCTGGG[C>T]GCTTGGAGGAGACTGCTGGGAAAGGGGCCGGGGGTGCCCTGCTGACCCCCAAGACTGAGC-3'
Protein context (NP_065883.1, residues 875-895): EHLKNTHQSG[Arg885Cys]LEETAGKGAG